The following is an entry in ClinVar:

NM_001276270.2(MBD4):c.541C>T (p.Arg181Ter)

Gene: MBD4 (methyl-CpG binding domain 4, DNA glycosylase; minus strand). Cytogenetic location: 3q21.3.
Variant type: single nucleotide variant.
Coding change: c.541C>T on transcript NM_001276270.2 (MANE Select); coding-DNA position 541, C replaced by T.
Protein change: p.Arg181Ter; replaces arginine 181 with a stop codon.
Molecular consequence: nonsense. On other transcripts: intron variant (1).
Genome position (GRCh38, 1-based): chr3:129,437,103, G>A on the plus strand (C>T on the coding strand, the complement: MBD4 is on the minus strand). VCF-style: chr3-129437103-G-A. GRCh37 (hg19) VCF-style: chr3-129155946-G-A.
Other names: c.541C>T, p.Arg181Ter (NM_001276271.2, NM_001276272.2, NM_003925.3); c.247+705C>T (NM_001276273.2); short protein forms R181*.
Identifiers: ClinVar variation 2783108 (VCV002783108.5), dbSNP rs1270271346, ClinGen allele CA354467804.
Genomic context (GRCh38, chr3:129,437,103, plus strand): 5'-TCTCCTGCAACTCTGAACTACTACTTGGCGGCATAAACACATCCTTTTTGCACTTGCTTC[G>A]GGTCCTGAGGTTCCAGTTTGAATTGTTACTTTGGTTTTGTAGATGGGATGTCAGGGCTGC-3'

ClinVar aggregate classification (germline): Pathogenic. Review status: criteria provided, multiple submitters, no conflicts (2 of 4 stars). 3 submissions from 3 submitters: Pathogenic (3). Last evaluated 2025-12-17.

Conditions:
Inborn genetic diseases. Identifiers: MedGen C0950123, MeSH D030342.
Tumor predisposition syndrome 2 (TPDS2). Also called: MBD4-ASSOCIATED NEOPLASIA SYNDROME; MBD4-Related Tumor Predisposition Syndrome; MBD4-associated neoplasia syndrome (MANS). Identifiers: Orphanet 661526, MedGen C5774186, MONDO:0859267, OMIM 619975.

Allele frequency attached by ClinVar (database versions not stated): gnomAD 0.00001; gnomAD exomes 0.00001; TOPMed 0.00001.

Submissions (3):

Myriad Genetics, Inc.
Classification: Pathogenic for Tumor predisposition syndrome 2. Last evaluated: 2025-12-17. Review status: criteria provided, single submitter. Criteria: Myriad Autosomal Dominant, Autosomal Recessive and X-Linked Classification Criteria (2023). Collection method: clinical testing. Allele origin: unknown.
Comment: This variant is considered pathogenic. This variant creates a termination codon and is predicted to result in premature protein truncation.

Labcorp Genetics (formerly Invitae), Labcorp
Classification: Pathogenic. Last evaluated: 2025-11-05. Review status: criteria provided, single submitter. Criteria: Invitae Variant Classification Sherloc (09022015). Collection method: clinical testing. Allele origin: germline.
Comment: This sequence change creates a premature translational stop signal (p.Arg181*) in the MBD4 gene. It is expected to result in an absent or disrupted protein product. Loss-of-function variants in MBD4 are known to be pathogenic (PMID: 30049810, 35460607). This variant is present in population databases (no rsID available, gnomAD 0.002%). This variant has not been reported in the literature in individuals affected with MBD4-related conditions. ClinVar contains an entry for this variant (Variation ID: 2783108). For these reasons, this variant has been classified as Pathogenic.

Ambry Genetics
Classification: Pathogenic for Inborn genetic diseases. Last evaluated: 2024-12-19. Review status: criteria provided, single submitter. Criteria: Ambry Variant Classification Scheme 2023. Collection method: clinical testing. Allele origin: germline.
Comment: The p.R181* pathogenic mutation (also known as c.541C>T), located in coding exon 3 of the MBD4 gene, results from a C to T substitution at nucleotide position 541. This changes the amino acid from an arginine to a stop codon within coding exon 3. This variant is considered to be rare based on population cohorts in the Genome Aggregation Database (gnomAD). This alteration is expected to result in loss of function by premature protein truncation or nonsense-mediated mRNA decay. As such, this alteration is interpreted as a disease-causing mutation.

Literature cited by the submitters: PubMed 30049810 (cited by Labcorp Genetics (formerly Invitae), Labcorp); PubMed 35460607 (cited by Labcorp Genetics (formerly Invitae), Labcorp).